The following is an entry in ClinVar:

ClinVar aggregate classification (germline): Uncertain significance (1 of 4 stars; one submission).

Allele frequency attached by ClinVar (database versions not stated): gnomAD exomes 0.00003; ExAC 0.00004; gnomAD 0.00007; TOPMed 0.00008.

Submission:

Labcorp Genetics (formerly Invitae), Labcorp
Classification: Uncertain significance. Last evaluated: 2023-10-05. Review status: criteria provided, single submitter. Criteria: Invitae Variant Classification Sherloc (09022015). Collection method: clinical testing. Allele origin: germline.
Comment: This sequence change replaces arginine, which is basic and polar, with histidine, which is basic and polar, at codon 951 of the NIN protein (p.Arg951His). This variant is present in population databases (rs773938652, gnomAD 0.02%). This variant has not been reported in the literature in individuals affected with NIN-related conditions. Algorithms developed to predict the effect of missense changes on protein structure and function output the following: SIFT: "Not Available"; PolyPhen-2: "Benign"; Align-GVGD: "Not Available". The histidine amino acid residue is found in multiple mammalian species, which suggests that this missense change does not adversely affect protein function. In summary, the available evidence is currently insufficient to determine the role of this variant in disease. Therefore, it has been classified as a Variant of Uncertain Significance.

NM_020921.4(NIN):c.2852G>A (p.Arg951His)

Gene: NIN (ninein; minus strand). Cytogenetic location: 14q22.1.
Variant type: single nucleotide variant.
Coding change: c.2852G>A on transcript NM_020921.4 (MANE Select); coding-DNA position 2852, G replaced by A.
Protein change: p.Arg951His; replaces arginine 951 with histidine.
Molecular consequence: missense variant. On other transcripts: intron variant (1).
Genome position (GRCh38, 1-based): chr14:50,758,178, C>T on the plus strand (G>A on the coding strand, the complement: NIN is on the minus strand). VCF-style: chr14-50758178-C-T. GRCh37 (hg19) VCF-style: chr14-51224896-C-T.
Other names: c.2852G>A, p.Arg951His (NM_182944.3, NM_182946.2); c.2399+1679G>A (NM_016350.5); short protein forms R951H.
Identifiers: ClinVar variation 3015620 (VCV003015620.3), dbSNP rs773938652, ClinGen allele CA7181853.